The following is an entry in ClinVar:

ClinVar aggregate classification (germline): Likely benign. Review status: criteria provided, multiple submitters, no conflicts (2 of 4 stars). 7 submissions from 7 submitters: Likely benign (3). 4 of the submissions do not count toward it. Last evaluated 2024-09-02.

Conditions:
Polycystic kidney disease, adult type (PKD1). Also called: Polycystic Kidney, Autosomal Dominant; POLYCYSTIC KIDNEY DISEASE, ADULT, TYPE I; Polycystic Kidney Disease 1, Autosomal Dominant; Polycystic kidney disease 1; Polycystic kidney disease 1, severe; POLYCYSTIC KIDNEY DISEASE 1 WITH OR WITHOUT POLYCYSTIC LIVER DISEASE. Identifiers: MedGen C3149841, MONDO:0008263, OMIM 173900.
PKD1-related disorder. Also called: PKD1-related condition.
Polycystic kidney disease. Also called: Kidney, Polycystic; Polycystic kidney dysplasia. Identifiers: MedGen C0022680, MeSH D007690, MONDO:0020642, HP:0000113.

Allele frequency attached by ClinVar (database versions not stated): ExAC 0.00017; gnomAD 0.00019 and 0.00020; TOPMed 0.00019; gnomAD exomes 0.00020; ESP Exome Variant Server 0.00023.
gnomAD v4.1: 422 of 1,601,052 alleles (0.026%); highest among the groups gnomAD compares: Non-Finnish European, 0.033%; no homozygotes.

Submissions (7):

Blueprint Genetics
Classification: Likely benign. Last evaluated: 2024-09-02. Review status: criteria provided, single submitter. Criteria: ACMG Guidelines, 2015. Collection method: clinical testing. Allele origin: germline.

CeGaT Center for Human Genetics Tuebingen
Classification: Likely benign. Last evaluated: 2022-10-01. Review status: criteria provided, single submitter. Criteria: CeGaT Center For Human Genetics Tuebingen Variant Classification Criteria Version 2. Collection method: clinical testing. Allele origin: germline. Affected: yes. Observed: 3 variant alleles.
Comment: PKD1: BS2

Fulgent Genetics
Classification: Likely benign for Polycystic kidney disease, adult type. Last evaluated: 2022-03-14. Review status: criteria provided, single submitter. Criteria: ACMG Guidelines, 2015. Collection method: clinical testing. Allele origin: unknown.

PreventionGenetics, part of Exact Sciences
Classification: Likely benign for PKD1-related condition. Last evaluated: 2024-07-16. Review status: no assertion criteria provided. Collection method: clinical testing. Allele origin: germline. Not counted in ClinVar's aggregate classification.
Comment: This variant is classified as likely benign based on ACMG/AMP sequence variant interpretation guidelines (Richards et al. 2015 PMID: 25741868, with internal and published modifications).

Clinical Genetics DNA and cytogenetics Diagnostics Lab, Erasmus MC, Erasmus Medical Center
Classification: Likely benign. Review status: no assertion criteria provided. Collection method: clinical testing. Allele origin: germline. Affected: yes. Study: VKGL Data-share Consensus. Not counted in ClinVar's aggregate classification.

Department of Pathology and Laboratory Medicine, Sinai Health System
Classification: Likely benign for Polycystic Kidney disease. Review status: no assertion criteria provided. Collection method: clinical testing. Allele origin: unknown. Affected: yes. Study: The Canadian Open Genetics Repository (COGR). Not counted in ClinVar's aggregate classification.
Comment: The PKD1 p.Ala2003Thr variant was identified in 1 of 460 proband chromosomes (frequency: 0.002) from individuals or families with ADPKD (Rossetti_2012_22383692). The variant was also identified in the following databases: dbSNP (ID: rs201599671), ADPKD Mutation Database (as likely neutral), and in control databases in 57 of 268166 chromosomes at a frequency of 0.0002 increasing the likelihood this could be a low frequency variant (Genome Aggregation Database Feb 27, 2017). It was observed in the following populations: â€šÃ„ÃºOtherâ€šÃ„Ã¹ in 1 of 6312 chromosomes (freq: 0.0002), European Non-Finnish in 48 of 122086 chromosomes (freq: 0.0004), East Asian in 2 of 18680 chromosomes (freq: 0.0001), European Finnish in 2 of 23408 chromosomes (freq: 0.00009), and South Asian in 4 of 30568 chromosomes (freq: 0.0001); it was not observed in the African, Latino and Ashkenazi Jewish populations. The variant was not identified in ClinVar, Clinvitae, COGR, LOVD 3.0, or PKD1-LOVD. The p.Ala2003 residue is not conserved in mammals and computational analyses (PolyPhen-2, SIFT, AlignGVGD, BLOSUM, MutationTaster) do not suggest a high likelihood that the variant Thr impacts the protein; however, this information is not predictive enough to rule out pathogenicity. The variant occurs outside of the splicing consensus sequence and in silico or computational prediction software programs (SpliceSiteFinder, MaxEntScan, NNSPLICE, GeneSplicer, HumanSpliceFinder) do not predict a difference in splicing. In summary, based on the above information this variant meets our laboratory criteria to be classified as likely benign.

Laboratory of Diagnostic Genome Analysis, Leiden University Medical Center (LUMC)
Classification: Likely benign. Review status: no assertion criteria provided. Collection method: clinical testing. Allele origin: germline. Affected: yes. Study: VKGL Data-share Consensus. Not counted in ClinVar's aggregate classification.

NM_001009944.3(PKD1):c.6007G>A (p.Ala2003Thr)

Gene: PKD1 (polycystin 1, transient receptor potential channel interacting; minus strand). Cytogenetic location: 16p13.3.
Variant type: single nucleotide variant.
Coding change: c.6007G>A on transcript NM_001009944.3 (MANE Select); coding-DNA position 6007, G replaced by A.
Protein change: p.Ala2003Thr; replaces alanine 2003 with threonine.
Molecular consequence: missense variant.
Genome position (GRCh38, 1-based): chr16:2,109,160, C>T on the plus strand (G>A on the coding strand, the complement: PKD1 is on the minus strand). VCF-style: chr16-2109160-C-T. GRCh37 (hg19) VCF-style: chr16-2159161-C-T.
Other names: c.6007G>A (NM_001009944.2); c.6007G>A, p.Ala2003Thr (NM_000296.4); short protein forms A2003T.
Identifiers: ClinVar variation 997306 (VCV000997306.29), dbSNP rs201599671, ClinGen allele CA7831764.
Genomic context (GRCh38, chr16:2,109,160, plus strand): 5'-CCGACAGGATGACCAGCGAGTCGCCCTGGACCTTCTGCAGCGAGAAGTACCAGGCGTAGG[C>T]GACCCGAGAGCCGCGCTGCACGCGGGCTGTGAAGTTCCTCTCAGTGCCCGTGGCGATGCC-3'
Protein context (NP_001009944.3, residues 1993-2013): TARVQRGSRV[Ala2003Thr]YAWYFSLQKV